The following is an entry in ClinVar:

ClinVar aggregate classification (germline): Uncertain significance (1 of 4 stars; one submission).

Conditions:
Progressive encephalopathy with leukodystrophy due to DECR deficiency. Identifiers: Orphanet 431361, MedGen C1857252, MONDO:0014464, OMIM 616034.

Allele frequency attached by ClinVar (database versions not stated): ExAC 0.00002; gnomAD 0.00002; gnomAD exomes 0.00002; TOPMed 0.00003.
gnomAD v4.1: 24 of 1,611,056 alleles (0.0015%); highest among the groups gnomAD compares: Admixed American, 0.0067%; no homozygotes.

Submission:

Labcorp Genetics (formerly Invitae), Labcorp
Classification: Uncertain significance for Progressive encephalopathy with leukodystrophy due to DECR deficiency. Last evaluated: 2023-10-09. Review status: criteria provided, single submitter. Criteria: Invitae Variant Classification Sherloc (09022015). Collection method: clinical testing. Allele origin: germline.
Comment: This sequence change replaces arginine, which is basic and polar, with tryptophan, which is neutral and slightly polar, at codon 187 of the NADK2 protein (p.Arg187Trp). This variant is present in population databases (rs773035471, gnomAD 0.01%). This variant has not been reported in the literature in individuals affected with NADK2-related conditions. An algorithm developed to predict the effect of missense changes on protein structure and function (PolyPhen-2) suggests that this variant is likely to be disruptive. In summary, the available evidence is currently insufficient to determine the role of this variant in disease. Therefore, it has been classified as a Variant of Uncertain Significance.

NM_001085411.3(NADK2):c.559C>T (p.Arg187Trp)

Gene: NADK2 (NAD kinase 2, mitochondrial; minus strand). Cytogenetic location: 5p13.2.
Variant type: single nucleotide variant.
Coding change: c.559C>T on transcript NM_001085411.3 (MANE Select); coding-DNA position 559, C replaced by T.
Protein change: p.Arg187Trp; replaces arginine 187 with tryptophan.
Molecular consequence: missense variant.
Genome position (GRCh38, 1-based): chr5:36,225,543, G>A on the plus strand (C>T on the coding strand, the complement: NADK2 is on the minus strand). VCF-style: chr5-36225543-G-A. GRCh37 (hg19) VCF-style: chr5-36225645-G-A.
Other names: c.70C>T, p.Arg24Trp (NM_001287340.2, NM_001287341.2, NM_153013.5); short protein forms R187W, R24W.
Identifiers: ClinVar variation 3019640 (VCV003019640.3), dbSNP rs773035471, ClinGen allele CA3234703.